The following is an entry in ClinVar:

NM_001843.4(CNTN1):c.228-3_228-2del

Gene: CNTN1 (contactin 1; plus strand). Cytogenetic location: 12q12.
Variant type: Deletion.
Coding change: c.228-3_228-2del on transcript NM_001843.4 (MANE Select); 3 bases into the intron before coding-DNA position 228 through the canonical splice acceptor site of the intron before coding-DNA position 228, 2 bases deleted (TA; older notation c.228-3_228-2delTA).
Molecular consequence: splice acceptor variant.
Genome position (GRCh38, 1-based): chr12:40,922,253-40,922,254, TA deleted; deleting any 2 consecutive bases within chr12:40,922,252-40,922,254 gives the same sequence; the c. name uses the placement nearest the transcript's 3' end. VCF-style (leftmost placement, unchanged base first): chr12-40922251-CAT-C. GRCh37 (hg19) VCF-style: chr12-41316053-CAT-C.
Other names: c.228-3_228-2del (NM_001256063.2, NM_001256064.2); c.195-3_195-2del (NM_175038.2).
Identifiers: ClinVar variation 1000385 (VCV001000385.7), dbSNP rs1945468731, ClinGen allele CA2031271327.

ClinVar aggregate classification (germline): Uncertain significance (1 of 4 stars; one submission).

Conditions:
Compton-North congenital myopathy (CMYO12). Identifiers: Orphanet 210163, MedGen C2675527, MONDO:0012929, OMIM 612540.

Submission:

Labcorp Genetics (formerly Invitae), Labcorp
Classification: Uncertain significance for Compton-North congenital myopathy. Last evaluated: 2022-06-13. Review status: criteria provided, single submitter. Criteria: Invitae Variant Classification Sherloc (09022015). Collection method: clinical testing. Allele origin: germline.
Comment: In summary, the available evidence is currently insufficient to determine the role of this variant in disease. Therefore, it has been classified as a Variant of Uncertain Significance. Variants that disrupt the consensus splice site are a relatively common cause of aberrant splicing (PMID: 17576681, 9536098). Experimental studies and prediction algorithms are not available or were not evaluated, and the effect of this variant on mRNA splicing is currently unknown. ClinVar contains an entry for this variant (Variation ID: 1000385). This variant has not been reported in the literature in individuals affected with CNTN1-related conditions. This variant is not present in population databases (gnomAD no frequency). This sequence change falls in intron 4 of the CNTN1 gene. It does not directly change the encoded amino acid sequence of the CNTN1 protein. It affects a nucleotide within the consensus splice site.

Literature cited by the submitters: PubMed 17576681; PubMed 9536098.